The following is an entry in ClinVar:

NM_002180.3(IGHMBP2):c.2677G>A (p.Ala893Thr)

Gene: IGHMBP2 (immunoglobulin mu DNA binding protein 2; plus strand). Cytogenetic location: 11q13.3.
Variant type: single nucleotide variant.
Coding change: c.2677G>A on transcript NM_002180.3 (MANE Select); coding-DNA position 2677, G replaced by A.
Protein change: p.Ala893Thr; replaces alanine 893 with threonine.
Molecular consequence: missense variant.
Genome position (GRCh38, 1-based): chr11:68,938,247, G>A. VCF-style: chr11-68938247-G-A. GRCh37 (hg19) VCF-style: chr11-68705715-G-A.
Other names: short protein forms A893T.
Identifiers: ClinVar variation 1026158 (VCV001026158.7), dbSNP rs149294713, ClinGen allele CA6153984.

ClinVar aggregate classification (germline): Uncertain significance (1 of 4 stars; one submission).

Conditions:
Charcot-Marie-Tooth disease axonal type 2S. Also called: CHARCOT-MARIE-TOOTH NEUROPATHY, TYPE 2S; CHARCOT-MARIE-TOOTH DISEASE, AXONAL, AUTOSOMAL RECESSIVE, TYPE 2S. Identifiers: Orphanet 443073, MedGen C4015349, MONDO:0014511, OMIM 616155.
Autosomal recessive distal spinal muscular atrophy 1. Also called: HMN VI; NEURONOPATHY, SEVERE INFANTILE AXONAL, WITH RESPIRATORY FAILURE; SEVERE INFANTILE AXONAL NEUROPATHY WITH RESPIRATORY FAILURE; SPINAL MUSCULAR ATROPHY, DIAPHRAGMATIC; Spinal muscular atrophy with respiratory distress 1; NEURONOPATHY, DISTAL HEREDITARY MOTOR, HARDING TYPE VI. Identifiers: Orphanet 98920, MedGen C1858517, MONDO:0011436, OMIM 604320.

Allele frequency attached by ClinVar (database versions not stated): gnomAD exomes below 0.00001; TOPMed below 0.00001; ExAC 0.00001; gnomAD 0.00001; ESP Exome Variant Server 0.00008.
gnomAD v4.1: 2 of 1,613,926 alleles (0.00012%); highest among the groups gnomAD compares: Admixed American, 0.0017%; no homozygotes.

Submission:

Labcorp Genetics (formerly Invitae), Labcorp
Classification: Uncertain significance for Autosomal recessive distal spinal muscular atrophy 1; Charcot-Marie-Tooth disease axonal type 2S. Last evaluated: 2021-08-27. Review status: criteria provided, single submitter. Criteria: Invitae Variant Classification Sherloc (09022015). Collection method: clinical testing. Allele origin: germline.
Comment: This sequence change replaces alanine with threonine at codon 893 of the IGHMBP2 protein (p.Ala893Thr). The alanine residue is moderately conserved and there is a small physicochemical difference between alanine and threonine. This variant is present in population databases (rs149294713, ExAC 0.002%). This variant has not been reported in the literature in individuals affected with IGHMBP2-related conditions. Algorithms developed to predict the effect of missense changes on protein structure and function are either unavailable or do not agree on the potential impact of this missense change (SIFT: "Tolerated"; PolyPhen-2: "Probably Damaging"; Align-GVGD: "Class C0"). In summary, the available evidence is currently insufficient to determine the role of this variant in disease. Therefore, it has been classified as a Variant of Uncertain Significance.